The following is an entry in ClinVar:

NM_017841.4(SDHAF2):c.415C>A (p.Leu139Met)

Gene: SDHAF2 (succinate dehydrogenase complex assembly factor 2; plus strand). Cytogenetic location: 11q12.2.
Variant type: single nucleotide variant.
Coding change: c.415C>A on transcript NM_017841.4 (MANE Select); coding-DNA position 415, C replaced by A.
Protein change: p.Leu139Met; replaces leucine 139 with methionine.
Molecular consequence: missense variant.
Genome position (GRCh38, 1-based): chr11:61,445,985, C>A. VCF-style: chr11-61445985-C-A. GRCh37 (hg19) VCF-style: chr11-61213457-C-A.
Other names: short protein forms L139M.
Identifiers: ClinVar variation 578133 (VCV000578133.10), dbSNP rs1565130851, ClinGen allele CA380685340.
Genomic context (GRCh38, chr11:61,445,985, plus strand): 5'-CACTCTTCTCTTGCAGAAGCTAAACCAGCCCCAGAAATATTTGAAAATGAAGTCATGGCC[C>A]TGCTGAGAGACTTTGCTAAAAACAAAAACAAAGAGCAGAGACTGCGTGCCCCAGATCTTG-3'
Protein context (NP_060311.1, residues 129-149): PEIFENEVMA[Leu139Met]LRDFAKNKNK

ClinVar aggregate classification (germline): Uncertain significance. Review status: criteria provided, multiple submitters, no conflicts (2 of 4 stars). 3 submissions from 3 submitters: Uncertain significance (3). Last evaluated 2025-08-04.

Conditions:
Hereditary pheochromocytoma and paraganglioma. Also called: Hereditary Paraganglioma-Pheochromocytoma Syndromes; Hereditary paragangliomas and pheochromocytomas; Hereditary pheochromocytoma-paraganglioma. Identifiers: Orphanet 29072, MedGen C4274332, MONDO:0017366.
Hereditary cancer-predisposing syndrome. Also called: Neoplastic Syndromes, Hereditary; Hereditary Cancer Syndrome; Tumor predisposition; Hereditary neoplastic syndrome. Identifiers: Orphanet 140162, MedGen C0027672, MeSH D009386, MONDO:0015356.

Allele frequency attached by ClinVar (database versions not stated): TOPMed below 0.00001; gnomAD 0.00001.
gnomAD v4.1: 1 of 1,614,032 alleles (0.000062%); highest among the groups gnomAD compares: Non-Finnish European, 0.000085%; no homozygotes.

Submissions (3):

Color Diagnostics, LLC DBA Color Health
Classification: Uncertain significance for Hereditary pheochromocytoma and paraganglioma. Last evaluated: 2025-08-04. Review status: criteria provided, single submitter. Criteria: ACMG Guidelines, 2015. Collection method: clinical testing. Allele origin: germline.
Comment: This missense variant replaces leucine with methionine at codon 139 of the SDHAF2 protein. Computational prediction suggests that this variant may not impact protein structure and function. To our knowledge, functional studies have not been reported for this variant. This variant has not been reported in individuals affected with SDHAF2-related disorders in the literature. This variant has not been identified in the general population by the Genome Aggregation Database (gnomAD). The available evidence is insufficient to determine the role of this variant in disease conclusively. Therefore, this variant is classified as a Variant of Uncertain Significance.

Ambry Genetics
Classification: Uncertain significance for Hereditary cancer-predisposing syndrome. Last evaluated: 2023-12-10. Review status: criteria provided, single submitter. Criteria: Ambry Variant Classification Scheme 2023. Collection method: clinical testing. Allele origin: germline.
Comment: The p.L139M variant (also known as c.415C>A), located in coding exon 4 of the SDHAF2 gene, results from a C to A substitution at nucleotide position 415. The leucine at codon 139 is replaced by methionine, an amino acid with highly similar properties. This amino acid position is conserved. In addition, this alteration is predicted to be tolerated by in silico analysis. Since supporting evidence is limited at this time, the clinical significance of this alteration remains unclear.

Labcorp Genetics (formerly Invitae), Labcorp
Classification: Uncertain significance for Hereditary pheochromocytoma and paraganglioma. Last evaluated: 2023-10-23. Review status: criteria provided, single submitter. Criteria: Invitae Variant Classification Sherloc (09022015). Collection method: clinical testing. Allele origin: germline.
Comment: This sequence change replaces leucine, which is neutral and non-polar, with methionine, which is neutral and non-polar, at codon 139 of the SDHAF2 protein (p.Leu139Met). This variant is not present in population databases (gnomAD no frequency). This variant has not been reported in the literature in individuals affected with SDHAF2-related conditions. ClinVar contains an entry for this variant (Variation ID: 578133). Algorithms developed to predict the effect of missense changes on protein structure and function output the following: SIFT: "Not Available"; PolyPhen-2: "Benign"; Align-GVGD: "Not Available". The methionine amino acid residue is found in multiple mammalian species, which suggests that this missense change does not adversely affect protein function. In summary, the available evidence is currently insufficient to determine the role of this variant in disease. Therefore, it has been classified as a Variant of Uncertain Significance.